The following is an entry in ClinVar:

ClinVar aggregate classification (germline): Uncertain significance. Review status: criteria provided, multiple submitters, no conflicts (2 of 4 stars). 2 submissions from 2 submitters: Uncertain significance (2). Last evaluated 2024-02-06.

gnomAD v4.1: 5 of 1,543,646 alleles (0.00032%); highest among the groups gnomAD compares: Non-Finnish European, 0.00044%; no homozygotes.

Submissions (2):

Labcorp Genetics (formerly Invitae), Labcorp
Classification: Uncertain significance. Last evaluated: 2024-02-06. Review status: criteria provided, single submitter. Criteria: Invitae Variant Classification Sherloc (09022015). Collection method: clinical testing. Allele origin: germline.
Comment: This sequence change replaces serine, which is neutral and polar, with cysteine, which is neutral and slightly polar, at codon 515 of the PPP3CA protein (p.Ser515Cys). This variant is not present in population databases (gnomAD no frequency). This variant has not been reported in the literature in individuals affected with PPP3CA-related conditions. Experimental studies and prediction algorithms are not available or were not evaluated, and the functional significance of this variant is currently unknown. In summary, the available evidence is currently insufficient to determine the role of this variant in disease. Therefore, it has been classified as a Variant of Uncertain Significance.

Blueprint Genetics
Classification: Uncertain significance. Last evaluated: 2018-10-12. Review status: criteria provided, single submitter. Criteria: ACMG Guidelines, 2015. Collection method: clinical testing. Allele origin: germline.

NM_000944.5(PPP3CA):c.1543A>T (p.Ser515Cys)

Gene: PPP3CA (protein phosphatase 3 catalytic subunit alpha; minus strand). Cytogenetic location: 4q24.
Variant type: single nucleotide variant.
Coding change: c.1543A>T on transcript NM_000944.5 (MANE Select); coding-DNA position 1543, A replaced by T.
Protein change: p.Ser515Cys; replaces serine 515 with cysteine.
Molecular consequence: missense variant.
Genome position (GRCh38, 1-based): chr4:101,025,888, T>A on the plus strand (A>T on the coding strand, the complement: PPP3CA is on the minus strand). VCF-style: chr4-101025888-T-A. GRCh37 (hg19) VCF-style: chr4-101947045-T-A.
Other names: c.1513A>T, p.Ser505Cys (NM_001130691.2); c.1387A>T, p.Ser463Cys (NM_001130692.2); short protein forms S463C, S505C, S515C.
Identifiers: ClinVar variation 3717854 (VCV003717854.3).